The following is an entry in ClinVar:

ClinVar aggregate classification (germline): Benign/Likely benign. Review status: criteria provided, multiple submitters, no conflicts (2 of 4 stars). 2 submissions from 2 submitters: Benign (1); Likely benign (1). Last evaluated 2020-01-13.

Conditions:
Holoprosencephaly sequence (HPE). Also called: Holoprosencephaly. Identifiers: Orphanet 2162, MedGen C0079541, MONDO:0016296, HP:0001360.

Allele frequency attached by ClinVar (database versions not stated): gnomAD 0.00138 and 0.00178; TOPMed 0.00268; gnomAD exomes 0.00340; ExAC 0.00636; 1000 Genomes Project 30x 0.00890; 1000 Genomes Project 0.01018.

Submissions (2):

GeneDx
Classification: Likely benign. Last evaluated: 2020-01-13. Review status: criteria provided, single submitter. Criteria: GeneDx Variant Classification Process June 2021. Collection method: clinical testing. Allele origin: germline. Affected: yes.
Comment: See Variant Classification Assertion Criteria.

Illumina Laboratory Services, Illumina
Classification: Benign for Holoprosencephaly sequence. Last evaluated: 2018-01-12. Review status: criteria provided, single submitter. Criteria: ICSL Variant Classification Criteria 13 December 2019. Collection method: clinical testing. Allele origin: germline.
Comment: This variant was observed in the ICSL laboratory as part of a predisposition screen in an ostensibly healthy population. It had not been previously curated by ICSL or reported in the Human Gene Mutation Database (HGMD: prior to June 1st, 2018), and was therefore a candidate for classification through an automated scoring system. Utilizing variant allele frequency, disease prevalence and penetrance estimates, and inheritance mode, an automated score was calculated to assess if this variant is too frequent to cause the disease. Based on the score and internal cut-off values, a variant classified as benign is not then subjected to further curation. The score for this variant resulted in a classification of benign for this disease.

NM_003923.3(FOXH1):c.-54C>T

Gene: FOXH1 (forkhead box H1; minus strand). Cytogenetic location: 8q24.3.
Variant type: single nucleotide variant.
Coding change: c.-54C>T on transcript NM_003923.3 (MANE Select); 54 bases upstream of the start codon, C replaced by T.
Molecular consequence: 5 prime UTR variant.
Genome position (GRCh38, 1-based): chr8:144,475,810, G>A on the plus strand (C>T on the coding strand, the complement: FOXH1 is on the minus strand). VCF-style: chr8-144475810-G-A. GRCh37 (hg19) VCF-style: chr8-145701193-G-A.
Identifiers: ClinVar variation 362284 (VCV000362284.6), dbSNP rs187197849, ClinGen allele CA4945701.